The following is an entry in ClinVar:

ClinVar aggregate classification (germline): Likely benign (1 of 4 stars; one submission).

Allele frequency attached by ClinVar (database versions not stated): gnomAD 0.00001; gnomAD exomes 0.00001 and 0.00002; ExAC 0.00002; TOPMed 0.00002.
gnomAD v4.1: 32 of 1,584,886 alleles (0.002%); highest among the groups gnomAD compares: Non-Finnish European, 0.0023%; no homozygotes.

Submission:

GeneDx
Classification: Likely benign. Last evaluated: 2015-11-20. Review status: criteria provided, single submitter. Criteria: GeneDx Variant Classification (06012015). Collection method: clinical testing. Allele origin: germline. Affected: yes.
Comment: This variant is considered likely benign or benign based on one or more of the following criteria: it is a conservative change, it occurs at a poorly conserved position in the protein, it is predicted to be benign by multiple in silico algorithms, and/or has population frequency not consistent with disease.

NM_001164508.2(NEB):c.24487-4A>G

Genes: RIF1 (replication timing regulatory factor 1; plus strand), NEB (nebulin; minus strand). Cytogenetic location: 2q23.3.
Variant type: single nucleotide variant.
Coding change: c.24487-4A>G on transcript NM_001164508.2 (MANE Select); 4 bases into the intron before coding-DNA position 24487, A replaced by G.
Molecular consequence: intron variant.
Genome position (GRCh38, 1-based): chr2:151,494,257, T>C on the plus strand (A>G on the coding strand, the complement: NEB is on the minus strand). VCF-style: chr2-151494257-T-C. GRCh37 (hg19) VCF-style: chr2-152350771-T-C.
Other names: c.18919-4A>G (NM_004543.5); c.24487-4A>G (NM_001164507.2); c.24592-4A>G (NM_001271208.2).
Identifiers: ClinVar variation 381999 (VCV000381999.1), dbSNP rs767852758, ClinGen allele CA1906016.